The following is an entry in ClinVar:

ClinVar aggregate classification (germline): Uncertain significance. Review status: criteria provided, multiple submitters, no conflicts (2 of 4 stars). 2 submissions from 2 submitters: Uncertain significance (2). Last evaluated 2024-05-21.

Conditions:
Retinitis pigmentosa 80 (RP80). Identifiers: MedGen C4540439, MONDO:0054708, OMIM 617781.
Saldino-Mainzer syndrome (SRTD9). Also called: CONORENAL SYNDROME; Renal dysplasia, retinal pigmentary dystrophy, cerebellar ataxia and skeletal dysplasia; short-rib thoracic dysplasia 9 with or without polydactyly; SHORT-RIB THORACIC DYSPLASIA 9 WITHOUT POLYDACTYLY. Identifiers: Orphanet 140969, MedGen C1849437, MONDO:0009964, OMIM 266920.

Allele frequency attached by ClinVar (database versions not stated): gnomAD exomes below 0.00001; ExAC 0.00001; TOPMed 0.00001.

Submissions (2):

Fulgent Genetics
Classification: Uncertain significance for Saldino-Mainzer syndrome; Retinitis pigmentosa 80. Last evaluated: 2024-05-21. Review status: criteria provided, single submitter. Criteria: ACMG Guidelines, 2015. Collection method: clinical testing. Allele origin: germline.

Labcorp Genetics (formerly Invitae), Labcorp
Classification: Uncertain significance for Saldino-Mainzer syndrome. Last evaluated: 2022-07-31. Review status: criteria provided, single submitter. Criteria: Invitae Variant Classification Sherloc (09022015). Collection method: clinical testing. Allele origin: germline.
Comment: This sequence change replaces arginine, which is basic and polar, with cysteine, which is neutral and slightly polar, at codon 1018 of the IFT140 protein (p.Arg1018Cys). This variant is present in population databases (rs767290624, gnomAD 0.001%). This variant has not been reported in the literature in individuals affected with IFT140-related conditions. ClinVar contains an entry for this variant (Variation ID: 1058344). Algorithms developed to predict the effect of missense changes on protein structure and function are either unavailable or do not agree on the potential impact of this missense change (SIFT: "Deleterious"; PolyPhen-2: "Benign"; Align-GVGD: "Class C0"). In summary, the available evidence is currently insufficient to determine the role of this variant in disease. Therefore, it has been classified as a Variant of Uncertain Significance.

NM_014714.4(IFT140):c.3052C>T (p.Arg1018Cys)

Genes: IFT140 (intraflagellar transport 140; minus strand), LOC126862260 (CDK7 strongly-dependent group 2 enhancer GRCh37_chr16:1574508-1575707; plus strand). Cytogenetic location: 16p13.3.
Variant type: single nucleotide variant.
Coding change: c.3052C>T on transcript NM_014714.4 (MANE Select); coding-DNA position 3052, C replaced by T.
Protein change: p.Arg1018Cys; replaces arginine 1018 with cysteine.
Molecular consequence: missense variant.
Genome position (GRCh38, 1-based): chr16:1,524,641, G>A on the plus strand (C>T on the coding strand, the complement: IFT140 is on the minus strand). VCF-style: chr16-1524641-G-A. GRCh37 (hg19) VCF-style: chr16-1574642-G-A.
Other names: short protein forms R1018C.
Identifiers: ClinVar variation 1058344 (VCV001058344.8), dbSNP rs767290624, ClinGen allele CA7813343.